The following is an entry in ClinVar:

NM_018368.4(LMBRD1):c.473+23del

Gene: LMBRD1 (LMBR1 domain containing 1; minus strand). Cytogenetic location: 6q13.
Variant type: Deletion.
Coding change: c.473+23del on transcript NM_018368.4 (MANE Select); 23 bases into the intron after coding-DNA position 473, one base deleted (T; older notation c.473+23delT).
Molecular consequence: intron variant.
Genome position (GRCh38, 1-based): chr6:69,749,318, A deleted on the plus strand (T on the coding strand, the reverse complement: LMBRD1 is on the minus strand); the first of 12 consecutive A bases (chr6:69,749,318-69,749,329); deleting any one gives the same sequence. VCF-style (leftmost placement, unchanged base first): chr6-69749317-TA-T. GRCh37 (hg19) VCF-style: chr6-70459209-TA-T.
Other names: p.?; c.254+23del (NM_001367272.1, NM_001367271.1, NM_001363722.2).
Identifiers: ClinVar variation 4683202 (VCV004683202.1).

ClinVar aggregate classification (germline): Likely benign (1 of 4 stars; one submission).

Submission:

Mayo Clinic Laboratories, Mayo Clinic
Classification: Likely benign. Last evaluated: 2025-07-29. Review status: criteria provided, single submitter. Criteria: ACMG Guidelines, 2015. Collection method: clinical testing. Allele origin: germline. Observed: 2 variant alleles.
Comment: BP4, BP7